The following is an entry in ClinVar:

ClinVar aggregate classification (germline): Pathogenic (1 of 4 stars; one submission).

Conditions:
Hereditary cancer-predisposing syndrome. Also called: Neoplastic Syndromes, Hereditary; Tumor predisposition; Hereditary Cancer Syndrome; Hereditary neoplastic syndrome. Identifiers: Orphanet 140162, MedGen C0027672, MeSH D009386, MONDO:0015356.

Submission:

Ambry Genetics
Classification: Pathogenic for Hereditary cancer-predisposing syndrome. Last evaluated: 2016-02-09. Review status: criteria provided, single submitter. Criteria: Ambry Variant Classification Scheme 2023. Collection method: clinical testing. Allele origin: germline.
Comment: The c.506_510delTAGAT pathogenic mutation, located in coding exon 4 of the APC gene, results from a deletion of 5 nucleotides between nucleotide positions 506 and 510, causing a translational frameshift with a predicted alternate stop codon. While this exact alteration has not been reported in the literature, a different alteration, c.518delC, resulting in the same stop codon, has been detected in an individual affected with familial adenomatous polyposis (FAP) (Dobbie et al Eur. J. Cancer. 1994; 30A(11):1709-13). In addition to the clinical data presented in the literature, since frameshifts are typically deleterious in nature, this alteration is interpreted as a disease-causing mutation (ACMG Recommendations for Standards for Interpretation and Reporting of Sequence Variations. Revision 2007. Genet Med. 2008;10:294).

NM_000038.6(APC):c.506_510del (p.Ile169fs)

Gene: APC (APC regulator of Wnt signaling pathway; plus strand). Cytogenetic location: 5q22.2.
Variant type: Deletion.
Coding change: c.506_510del on transcript NM_000038.6 (MANE Select); coding-DNA positions 506 to 510, 5 bases deleted (TAGAT; older notation c.506_510delTAGAT).
Protein change: p.Ile169fs; shifts the reading frame from isoleucine 169.
Molecular consequence: frameshift variant. On other transcripts: 5 prime UTR variant (1).
Genome position (GRCh38, 1-based): chr5:112,775,712-112,775,716, TAGAT deleted. VCF-style (leftmost placement, unchanged base first): chr5-112775711-ATAGAT-A. GRCh37 (hg19) VCF-style: chr5-112111408-ATAGAT-A.
Other names: c.506_510del, p.Ile169fs (NM_001127510.3, NM_001354895.2, NM_001354896.2 and 2 more transcripts); c.536_540del, p.Ile179fs (NM_001127511.3, NM_001354897.2, NM_001354902.2); c.431_435del, p.Ile144fs (NM_001354898.2, NM_001354904.2); c.329_333del, p.Ile110fs (NM_001354900.2, NM_001354901.2, NM_001354905.2); c.-530_-526del (NM_001354906.2); short protein forms I144fs, I169fs, I110fs, I179fs.
Identifiers: ClinVar variation 482303 (VCV000482303.5), dbSNP rs1554071607, ClinGen allele CA658657476.